The following is an entry in ClinVar:

ClinVar aggregate classification (germline): Uncertain significance. Review status: criteria provided, multiple submitters, no conflicts (2 of 4 stars). 2 submissions from 2 submitters: Uncertain significance (2). Last evaluated 2023-11-27.

Conditions:
DICER1-related tumor predisposition. Also called: DICER1 syndrome; DICER1-related pleuropulmonary blastoma cancer predisposition syndrome. Identifiers: Orphanet 284343, MedGen C3839822, MONDO:0100216.
Hereditary cancer-predisposing syndrome. Also called: Neoplastic Syndromes, Hereditary; Tumor predisposition; Hereditary Cancer Syndrome; Hereditary neoplastic syndrome. Identifiers: Orphanet 140162, MedGen C0027672, MeSH D009386, MONDO:0015356.

Submissions (2):

Labcorp Genetics (formerly Invitae), Labcorp
Classification: Uncertain significance for DICER1-related tumor predisposition. Last evaluated: 2023-11-27. Review status: criteria provided, single submitter. Criteria: Invitae Variant Classification Sherloc (09022015). Collection method: clinical testing. Allele origin: germline.
Comment: This sequence change replaces threonine, which is neutral and polar, with serine, which is neutral and polar, at codon 1606 of the DICER1 protein (p.Thr1606Ser). This variant is not present in population databases (gnomAD no frequency). This variant has not been reported in the literature in individuals affected with DICER1-related conditions. ClinVar contains an entry for this variant (Variation ID: 1743315). Algorithms developed to predict the effect of missense changes on protein structure and function output the following: SIFT: "Not Available"; PolyPhen-2: "Benign"; Align-GVGD: "Not Available". The serine amino acid residue is found in multiple mammalian species, which suggests that this missense change does not adversely affect protein function. In summary, the available evidence is currently insufficient to determine the role of this variant in disease. Therefore, it has been classified as a Variant of Uncertain Significance.

Ambry Genetics
Classification: Uncertain significance for Hereditary cancer-predisposing syndrome. Last evaluated: 2022-10-12. Review status: criteria provided, single submitter. Criteria: Ambry Variant Classification Scheme 2023. Collection method: clinical testing. Allele origin: germline.
Comment: The p.T1606S variant (also known as c.4816A>T), located in coding exon 22 of the DICER1 gene, results from an A to T substitution at nucleotide position 4816. The threonine at codon 1606 is replaced by serine, an amino acid with similar properties. This amino acid position is conserved. In addition, this alteration is predicted to be tolerated by in silico analysis. Since supporting evidence is limited at this time, the clinical significance of this alteration remains unclear.

NM_177438.3(DICER1):c.4816A>T (p.Thr1606Ser)

Gene: DICER1 (dicer 1, ribonuclease III; minus strand). Cytogenetic location: 14q32.13.
Variant type: single nucleotide variant.
Coding change: c.4816A>T on transcript NM_177438.3 (MANE Select); coding-DNA position 4816, A replaced by T.
Protein change: p.Thr1606Ser; replaces threonine 1606 with serine.
Molecular consequence: missense variant. On other transcripts: non-coding transcript variant (6).
Genome position (GRCh38, 1-based): chr14:95,096,104, T>A on the plus strand (A>T on the coding strand, the complement: DICER1 is on the minus strand). VCF-style: chr14-95096104-T-A. GRCh37 (hg19) VCF-style: chr14-95562441-T-A.
Other names: c.4816A>T, p.Thr1606Ser (NM_001395684.1, NM_001395692.1, NM_001395693.1 and 13 more transcripts); c.4534A>T, p.Thr1512Ser (NM_001395686.1); c.4411A>T, p.Thr1471Ser (NM_001395687.1, NM_001395688.1, NM_001395689.1 and 2 more transcripts); c.4249A>T, p.Thr1417Ser (NM_001395691.1); c.3133A>T, p.Thr1045Ser (NM_001395697.1); short protein forms T1045S, T1606S, T1417S, T1471S, T1512S.
Identifiers: ClinVar variation 1743315 (VCV001743315.5), dbSNP rs767907056, ClinGen allele CA390866994.